The following is an entry in ClinVar:

ClinVar aggregate classification (germline): Pathogenic/Likely pathogenic. Review status: criteria provided, multiple submitters, no conflicts (2 of 4 stars). 4 submissions from 4 submitters: Pathogenic (3); Likely pathogenic (1). Last evaluated 2023-05-25.

Conditions:
Charcot-Marie-Tooth disease type 4C (CMT4C). Also called: Charcot-Marie-Tooth Neuropathy Type 4C (CMT4C); SH3TC2-Related Hereditary Motor and Sensory Neuropathy; CHARCOT-MARIE-TOOTH DISEASE, DEMYELINATING, AUTOSOMAL RECESSIVE, TYPE 4C; CMT 4C; CHARCOT-MARIE-TOOTH DISEASE, DEMYELINATING, TYPE 4C. Identifiers: Orphanet 99949, MedGen C1866636, MONDO:0011113, OMIM 601596.
Charcot-Marie-Tooth disease type 4. Also called: Charcot-Marie-Tooth disease, type IV; Charcot-Marie-Tooth, Type 4. Identifiers: Orphanet 64749, MedGen C4082197, MONDO:0018995.

Allele frequency attached by ClinVar (database versions not stated): gnomAD exomes 0.00001.

Submissions (4):

Kariminejad - Najmabadi Pathology & Genetics Center
Classification: Pathogenic for Charcot-Marie-Tooth disease type 4C. Last evaluated: 2023-05-25. Review status: criteria provided, single submitter. Criteria: ACMG Guidelines, 2015. Collection method: clinical testing. Allele origin: germline. Inheritance: Autosomal recessive inheritance. Affected: yes.
Comment: PVS1(VS),PP5(VS),PM2(Supporting)

Labcorp Genetics (formerly Invitae), Labcorp
Classification: Pathogenic for Charcot-Marie-Tooth disease type 4. Last evaluated: 2023-01-24. Review status: criteria provided, single submitter. Criteria: Invitae Variant Classification Sherloc (09022015). Collection method: clinical testing. Allele origin: germline.
Comment: This sequence change creates a premature translational stop signal (p.Lys274*) in the SH3TC2 gene. It is expected to result in an absent or disrupted protein product. Loss-of-function variants in SH3TC2 are known to be pathogenic (PMID: 20220177, 27068304). This variant is not present in population databases (gnomAD no frequency). This premature translational stop signal has been observed in individual(s) with Dejerine-Sottas syndrome (PMID: 26257172). ClinVar contains an entry for this variant (Variation ID: 1012529). For these reasons, this variant has been classified as Pathogenic.

CeGaT Center for Human Genetics Tuebingen
Classification: Pathogenic. Last evaluated: 2021-05-01. Review status: criteria provided, single submitter. Criteria: CeGaT Center For Human Genetics Tuebingen Variant Classification Criteria Version 2. Collection method: clinical testing. Allele origin: germline. Affected: yes. Observed: 4 variant alleles.

Neuberg Centre For Genomic Medicine, NCGM
Classification: Likely pathogenic for Charcot-Marie-Tooth disease type 4C. Review status: criteria provided, single submitter. Criteria: ACMG Guidelines, 2015. Collection method: clinical testing. Allele origin: germline. Inheritance: Autosomal recessive inheritance. Affected: yes.
Comment: The frameshift variant c.819dup(p.Lys274Ter) in SH3TC2 gene has been observed in homozygous state in individual(s) affected with SH3TC2 gene related disorder (Gonzaga-Jauregui et. al, 2015). This variant has been submitted to the ClinVar database as Pathogenic. This variant is predicted to cause loss of normal protein function through protein truncation. Loss-of-function variants in SH3TC2 are known to be pathogenic (Vijay et. al., 2016). However, functional studies will be required to cofirm the pathogenicity of the variant. For these reasons, this variant has been classified as Pathogenic.

Literature cited by the submitters: PubMed 20220177 (cited by Labcorp Genetics (formerly Invitae), Labcorp); PubMed 27068304 (cited by Labcorp Genetics (formerly Invitae), Labcorp); PubMed 26257172 (cited by Labcorp Genetics (formerly Invitae), Labcorp).

NM_024577.4(SH3TC2):c.819dup (p.Lys274Ter)

Gene: SH3TC2 (SH3 domain and tetratricopeptide repeats 2; minus strand). Cytogenetic location: 5q32.
Variant type: Duplication.
Coding change: c.819dup on transcript NM_024577.4 (MANE Select); coding-DNA position 819, one base duplicated (T; older notation c.819dupT).
Protein change: p.Lys274Ter; replaces lysine 274 with a stop codon.
Molecular consequence: nonsense.
Genome position (GRCh38, 1-based): chr5:149,038,477, A duplicated on the plus strand (T on the coding strand, the reverse complement: SH3TC2 is on the minus strand). VCF-style (leftmost placement, unchanged base first): chr5-149038476-T-TA. GRCh37 (hg19) VCF-style: chr5-148418039-T-TA.
Other names: short protein forms K274*.
Identifiers: ClinVar variation 1012529 (VCV001012529.43), dbSNP rs1754320158, ClinGen allele CA1590317371.